The following is an entry in ClinVar:

ClinVar aggregate classification (germline): Uncertain significance. Review status: criteria provided, multiple submitters, no conflicts (2 of 4 stars). 2 submissions from 2 submitters: Uncertain significance (2). Last evaluated 2024-11-19.

Conditions:
Hereditary cancer-predisposing syndrome. Also called: Neoplastic Syndromes, Hereditary; Tumor predisposition; Hereditary Cancer Syndrome; Hereditary neoplastic syndrome. Identifiers: Orphanet 140162, MedGen C0027672, MeSH D009386, MONDO:0015356.

gnomAD v4.1: 3 of 1,614,176 alleles (0.00019%); no homozygotes.

Submissions (2):

Labcorp Genetics (formerly Invitae), Labcorp
Classification: Uncertain significance. Last evaluated: 2024-11-19. Review status: criteria provided, single submitter. Criteria: Invitae Variant Classification Sherloc (09022015). Collection method: clinical testing. Allele origin: germline.
Comment: This sequence change replaces asparagine, which is neutral and polar, with lysine, which is basic and polar, at codon 568 of the GALNT12 protein (p.Asn568Lys). This variant is not present in population databases (gnomAD no frequency). This variant has not been reported in the literature in individuals affected with GALNT12-related conditions. ClinVar contains an entry for this variant (Variation ID: 819845). Invitae Evidence Modeling of protein sequence and biophysical properties (such as structural, functional, and spatial information, amino acid conservation, physicochemical variation, residue mobility, and thermodynamic stability) indicates that this missense variant is not expected to disrupt GALNT12 protein function with a negative predictive value of 80%. In summary, the available evidence is currently insufficient to determine the role of this variant in disease. Therefore, it has been classified as a Variant of Uncertain Significance.

Ambry Genetics
Classification: Uncertain significance for Hereditary cancer-predisposing syndrome. Last evaluated: 2021-12-10. Review status: criteria provided, single submitter. Criteria: Ambry General Variant Classification Scheme_2022. Collection method: clinical testing. Allele origin: germline. Observed: 1 variant allele.
Comment: The p.N568K variant (also known as c.1704C>A), located in coding exon 10 of the GALNT12 gene, results from a C to A substitution at nucleotide position 1704. The asparagine at codon 568 is replaced by lysine, an amino acid with similar properties. This amino acid position is not well conserved in available vertebrate species. In addition, this alteration is predicted to be tolerated by in silico analysis. Since supporting evidence is limited at this time, the clinical significance of this alteration remains unclear.

NM_024642.5(GALNT12):c.1704C>A (p.Asn568Lys)

Gene: GALNT12 (polypeptide N-acetylgalactosaminyltransferase 12; plus strand). Cytogenetic location: 9q22.33.
Variant type: single nucleotide variant.
Coding change: c.1704C>A on transcript NM_024642.5 (MANE Select); coding-DNA position 1704, C replaced by A.
Protein change: p.Asn568Lys; replaces asparagine 568 with lysine.
Molecular consequence: missense variant.
Genome position (GRCh38, 1-based): chr9:98,849,050, C>A. VCF-style: chr9-98849050-C-A. GRCh37 (hg19) VCF-style: chr9-101611332-C-A.
Other names: short protein forms N568K.
Identifiers: ClinVar variation 819845 (VCV000819845.5), dbSNP rs1588461400, ClinGen allele CA374223254.